The following is an entry in ClinVar:

ClinVar aggregate classification (germline): Uncertain significance (1 of 4 stars; one submission).

Submission:

Labcorp Genetics (formerly Invitae), Labcorp
Classification: Uncertain significance. Last evaluated: 2025-01-08. Review status: criteria provided, single submitter. Criteria: Invitae Variant Classification Sherloc (09022015). Collection method: clinical testing. Allele origin: germline.
Comment: This sequence change replaces tyrosine, which is neutral and polar, with cysteine, which is neutral and slightly polar, at codon 78 of the TNFRSF6B protein (p.Tyr78Cys). This variant is not present in population databases (gnomAD no frequency). This variant has not been reported in the literature in individuals affected with TNFRSF6B-related conditions. An algorithm developed to predict the effect of missense changes on protein structure and function outputs the following: PolyPhen-2: "Probably Damaging". The cysteine amino acid residue is found in multiple mammalian species, which suggests that this missense change does not adversely affect protein function. In summary, the available evidence is currently insufficient to determine the role of this variant in disease. Therefore, it has been classified as a Variant of Uncertain Significance.

NM_003823.4(TNFRSF6B):c.233A>G (p.Tyr78Cys)

Genes: RTEL1-TNFRSF6B (RTEL1-TNFRSF6B readthrough (NMD candidate); plus strand), TNFRSF6B (TNF receptor superfamily member 6b; plus strand). Cytogenetic location: 20q13.33.
Variant type: single nucleotide variant.
Coding change: c.233A>G on transcript NM_003823.4 (MANE Select); coding-DNA position 233, A replaced by G.
Protein change: p.Tyr78Cys; replaces tyrosine 78 with cysteine.
Molecular consequence: missense variant. On other transcripts: non-coding transcript variant (1).
Genome position (GRCh38, 1-based): chr20:63,697,000, A>G. VCF-style: chr20-63697000-A-G. GRCh37 (hg19) VCF-style: chr20-62328353-A-G.
Other names: short protein forms Y78C.
Identifiers: ClinVar variation 3728744 (VCV003728744.2).
Genomic context (GRCh38, chr20:63,697,000, plus strand): 5'-TGCAGCGGCCGTGCCGCCGAGACAGCCCCACGACGTGTGGCCCGTGTCCACCGCGCCACT[A>G]CACGCAGTTCTGGAACTACCTAGAGCGCTGCCGCTACTGCAACGTCCTCTGCGGGGAGCG-3'
Protein context (NP_003814.1, residues 68-88): TTCGPCPPRH[Tyr78Cys]TQFWNYLERC